The following is an entry in ClinVar:

NM_002095.6(GTF2E2):c.135T>C (p.His45=)

Gene: GTF2E2 (general transcription factor IIE subunit 2; minus strand). Cytogenetic location: 8p12.
Variant type: single nucleotide variant.
Coding change: c.135T>C on transcript NM_002095.6 (MANE Select); coding-DNA position 135, T replaced by C.
Protein change: p.His45=; no amino-acid change (histidine 45 retained).
Molecular consequence: synonymous variant.
Genome position (GRCh38, 1-based): chr8:30,653,464, A>G on the plus strand (T>C on the coding strand, the complement: GTF2E2 is on the minus strand). VCF-style: chr8-30653464-A-G. GRCh37 (hg19) VCF-style: chr8-30510981-A-G.
Other names: c.135T>C, p.His45= (NM_001348353.1).
Identifiers: ClinVar variation 727655 (VCV000727655.9), dbSNP rs149694513, ClinGen allele CA4701097.
Genomic context (GRCh38, chr8:30,653,464, plus strand): 5'-ACCAAACAGTCCTAAACAATTTTACTAACCAGAATTTTGTTTAGAGCCTGACGATCCTCC[A>G]TGTTCTACCTTTGTTTTCTTCTTCTTTGACGATGATGATGATGACTCAGAAGATGCTGAA-3'
Protein context (NP_002086.1, residues 35-55): SSKKKKTKVE[His45=]GGSSGSKQNS

ClinVar aggregate classification (germline): Likely benign. Review status: criteria provided, single submitter (1 of 4 stars). 2 submissions from 2 submitters: Likely benign (1). 1 of the submissions does not count toward it. Last evaluated 2026-01-11.

Conditions:
GTF2E2-related disorder. Also called: GTF2E2-related condition.

Allele frequency attached by ClinVar (database versions not stated): ESP Exome Variant Server 0.00015; TOPMed 0.00034; gnomAD 0.00038 and 0.00039; gnomAD exomes 0.00049 and 0.00056; ExAC 0.00052.
gnomAD v4.1: 866 of 1,613,682 alleles (0.054%); highest among the groups gnomAD compares: Non-Finnish European, 0.07%; no homozygotes.

Submissions (2):

Labcorp Genetics (formerly Invitae), Labcorp
Classification: Likely benign. Last evaluated: 2026-01-11. Review status: criteria provided, single submitter. Criteria: Invitae Variant Classification Sherloc (09022015). Collection method: clinical testing. Allele origin: germline.

PreventionGenetics, part of Exact Sciences
Classification: Likely benign for GTF2E2-related condition. Last evaluated: 2023-09-17. Review status: no assertion criteria provided. Collection method: clinical testing. Allele origin: germline. Not counted in ClinVar's aggregate classification.
Comment: This variant is classified as likely benign based on ACMG/AMP sequence variant interpretation guidelines (Richards et al. 2015 PMID: 25741868, with internal and published modifications).